The following is an entry in ClinVar:

ClinVar aggregate classification (germline): Pathogenic (1 of 4 stars; one submission).

Conditions:
Progressive sclerosing poliodystrophy (MTDPS4A). Also called: Mitochondrial DNA Depletion Syndrome 4A; ALPERS PROGRESSIVE INFANTILE POLIODYSTROPHY; NEURONAL DEGENERATION OF CHILDHOOD WITH LIVER DISEASE, PROGRESSIVE; Mitochondrial DNA depletion syndrome 4A (Alpers type); Alpers Syndrome; ALPERS DIFFUSE DEGENERATION OF CEREBRAL GRAY MATTER WITH HEPATIC CIRRHOSIS. Identifiers: Orphanet 726, MedGen C0205710, MONDO:0008758, OMIM 203700.

Allele frequency attached by ClinVar (database versions not stated): gnomAD exomes below 0.00001.
gnomAD v4.1: 1 of 1,612,882 alleles (0.000062%); highest among the groups gnomAD compares: Non-Finnish European, 0.000085%; no homozygotes.

Submission:

Labcorp Genetics (formerly Invitae), Labcorp
Classification: Pathogenic for Progressive sclerosing poliodystrophy. Last evaluated: 2022-05-29. Review status: criteria provided, single submitter. Criteria: Invitae Variant Classification Sherloc (09022015). Collection method: clinical testing. Allele origin: germline.
Comment: This sequence change creates a premature translational stop signal (p.Gln77*) in the POLG gene. It is expected to result in an absent or disrupted protein product. Loss-of-function variants in POLG are known to be pathogenic (PMID: 18546365). This variant is not present in population databases (gnomAD no frequency). This variant has not been reported in the literature in individuals affected with POLG-related conditions. For these reasons, this variant has been classified as Pathogenic.

Literature cited by the submitters: PubMed 18546365.

NM_002693.3(POLG):c.229C>T (p.Gln77Ter)

Genes: POLG (DNA polymerase gamma, catalytic subunit; minus strand), POLGARF (POLG alternative reading frame; minus strand). Cytogenetic location: 15q26.1.
Variant type: single nucleotide variant.
Coding change: c.229C>T on transcript NM_002693.3 (MANE Select); coding-DNA position 229, C replaced by T.
Protein change: p.Gln77Ter; replaces glutamine 77 with a stop codon.
Molecular consequence: nonsense.
Genome position (GRCh38, 1-based): chr15:89,333,526, G>A on the plus strand (C>T on the coding strand, the complement: POLG is on the minus strand). VCF-style: chr15-89333526-G-A. GRCh37 (hg19) VCF-style: chr15-89876757-G-A.
Other names: c.229C>T, p.Gln77Ter (NM_001126131.2); short protein forms Q77*.
Identifiers: ClinVar variation 2000637 (VCV002000637.4), dbSNP rs2509276392, ClinGen allele CA393773418.